The following is an entry in ClinVar:

ClinVar aggregate classification (germline): Uncertain significance. Review status: criteria provided, multiple submitters, no conflicts (2 of 4 stars). 2 submissions from 2 submitters: Uncertain significance (2). Last evaluated 2025-10-28.

Conditions:
Hypertrophic cardiomyopathy. Also called: HYPERTROPHIC MYOCARDIOPATHY. Identifiers: Orphanet 217569, MedGen C0007194, MeSH D002312, MONDO:0005045, HP:0001639.
Cardiomyopathy (CMYO). Also called: Cardiomyopathies. Identifiers: Orphanet 167848, MedGen C0878544, MONDO:0004994, HP:0001638. Inheritance: Various modes of inheritance.

Submissions (2):

Color Diagnostics, LLC DBA Color Health
Classification: Uncertain significance for Cardiomyopathy. Last evaluated: 2025-10-28. Review status: criteria provided, single submitter. Criteria: ACMG Guidelines, 2015. Collection method: clinical testing. Allele origin: germline.
Comment: This variant causes a deletion of lysine residue at codon 368 in the MYBPC3 protein. To our knowledge, functional studies have not been reported for this variant. This variant has been reported in an individual affected with hypertrophic cardiomyopathy (PMID: 33495597). This variant has not been identified in the general population by the Genome Aggregation Database (gnomAD). The available evidence is insufficient to determine the role of this variant in disease conclusively. Therefore, this variant is classified as a Variant of Uncertain Significance.

Labcorp Genetics (formerly Invitae), Labcorp
Classification: Uncertain significance for Hypertrophic cardiomyopathy. Last evaluated: 2023-09-21. Review status: criteria provided, single submitter. Criteria: Invitae Variant Classification Sherloc (09022015). Collection method: clinical testing. Allele origin: germline.
Comment: This variant, c.1102_1104del, results in the deletion of 1 amino acid(s) of the MYBPC3 protein (p.Lys368del), but otherwise preserves the integrity of the reading frame. This variant is not present in population databases (gnomAD no frequency). This variant has not been reported in the literature in individuals affected with MYBPC3-related conditions. Experimental studies and prediction algorithms are not available or were not evaluated, and the functional significance of this variant is currently unknown. Algorithms developed to predict the effect of sequence changes on RNA splicing suggest that this variant may disrupt the consensus splice site. In summary, the available evidence is currently insufficient to determine the role of this variant in disease. Therefore, it has been classified as a Variant of Uncertain Significance.

Literature cited by the submitters: PubMed 33495597 (cited by Color Diagnostics, LLC DBA Color Health).

NM_000256.3(MYBPC3):c.1099AAG[1] (p.Lys368del)

Gene: MYBPC3 (myosin binding protein C3; minus strand). Cytogenetic location: 11p11.2.
Variant type: Microsatellite.
Coding change: c.1099AAG[1] on transcript NM_000256.3 (MANE Select); one copy of the 3-base unit AAG starting at c.1099; the reference has two copies in a row; one copy, 3 bases deleted; also written c.1102_1104del.
Protein change: p.Lys368del; deletes lysine 368.
Molecular consequence: inframe deletion.
Genome position (GRCh38, 1-based): chr11:47,343,611-47,343,613, CTT deleted on the plus strand (AAG on the coding strand, the reverse complement: MYBPC3 is on the minus strand); deleting any 3 consecutive bases within chr11:47,343,611-47,343,618 gives the same sequence; the position shown is the placement nearest the transcript's 3' end. VCF-style (leftmost placement, unchanged base first): chr11-47343610-GCTT-G. GRCh37 (hg19) VCF-style: chr11-47365161-GCTT-G.
Other names: c.1102_1104del (NM_000256.3); short protein forms K368del.
Identifiers: ClinVar variation 2744882 (VCV002744882.4), dbSNP rs2495765792, ClinGen allele CA2697548584.